The following is an entry in ClinVar:

NM_005235.3(ERBB4):c.3569A>G (p.Asn1190Ser)

Gene: ERBB4 (erb-b2 receptor tyrosine kinase 4; minus strand). Cytogenetic location: 2q34.
Variant type: single nucleotide variant.
Coding change: c.3569A>G on transcript NM_005235.3 (MANE Select); coding-DNA position 3569, A replaced by G.
Protein change: p.Asn1190Ser; replaces asparagine 1190 with serine.
Molecular consequence: missense variant.
Genome position (GRCh38, 1-based): chr2:211,383,973, T>C on the plus strand (A>G on the coding strand, the complement: ERBB4 is on the minus strand). VCF-style: chr2-211383973-T-C. GRCh37 (hg19) VCF-style: chr2-212248698-T-C.
Other names: c.3521A>G, p.Asn1174Ser (NM_001042599.2); short protein forms N1190S, N1174S.
Identifiers: ClinVar variation 1513286 (VCV001513286.6), dbSNP rs774730380, ClinGen allele CA2087398.

ClinVar aggregate classification (germline): Uncertain significance (1 of 4 stars; one submission).

Allele frequency attached by ClinVar (database versions not stated): gnomAD exomes below 0.00001 and 0.00001; ExAC 0.00002.
gnomAD v4.1: 7 of 1,614,092 alleles (0.00043%); highest among the groups gnomAD compares: South Asian, 0.0022%; no homozygotes.

Submission:

Labcorp Genetics (formerly Invitae), Labcorp
Classification: Uncertain significance. Last evaluated: 2025-09-02. Review status: criteria provided, single submitter. Criteria: Invitae Variant Classification Sherloc (09022015). Collection method: clinical testing. Allele origin: germline.
Comment: This sequence change replaces asparagine, which is neutral and polar, with serine, which is neutral and polar, at codon 1190 of the ERBB4 protein (p.Asn1190Ser). This variant is present in population databases (rs774730380, gnomAD 0.006%). This variant has not been reported in the literature in individuals affected with ERBB4-related conditions. ClinVar contains an entry for this variant (Variation ID: 1513286). An algorithm developed to predict the effect of missense changes on protein structure and function outputs the following: PolyPhen-2: "Benign". The serine amino acid residue is found in multiple mammalian species, which suggests that this missense change does not adversely affect protein function. In summary, the available evidence is currently insufficient to determine the role of this variant in disease. Therefore, it has been classified as a Variant of Uncertain Significance.